The following is an entry in ClinVar:

ClinVar aggregate classification (germline): Uncertain significance (1 of 4 stars; one submission).

Conditions:
Hereditary pancreatitis (PCTT). Also called: Hereditary chronic pancreatitis; PRSS1-Related Hereditary Pancreatitis. Identifiers: Orphanet 676, MedGen C0238339, MONDO:0008185, OMIM 167800.

Submission:

Ambry Genetics
Classification: Uncertain significance for Hereditary pancreatitis. Last evaluated: 2014-12-01. Review status: criteria provided, single submitter. Criteria: Ambry Variant Classification Scheme 2023. Collection method: clinical testing. Allele origin: germline.
Comment: The p.C171G variant (also known as c.511T>G), located in coding exon 4 of the PRSS1 gene, results from a T to G substitution at nucleotide position 511. The cysteine at codon 171 is replaced by glycine, an amino acid with highly dissimilar properties. This variant was not reported in population based cohorts in the following databases: Database of Single Nucleotide Polymorphisms (dbSNP), NHLBI Exome Sequencing Project (ESP), and 1000 Genomes Project. In the ESP, this variant was not observed in 6503 samples (13006 alleles) with coverage at this position. This amino acid position is highly conserved in available vertebrate species. In addition, this alteration is predicted to be deleterious by in silico analysis. Since supporting evidence is limited at this time, the clinical significance of p.C171G remains unclear.

NM_002769.5(PRSS1):c.511T>G (p.Cys171Gly)

Genes: PRSS1 (serine protease 1; plus strand), TRB (T cell receptor beta locus; plus strand). Cytogenetic location: 7q34.
Variant type: single nucleotide variant.
Coding change: c.511T>G on transcript NM_002769.5 (MANE Select); coding-DNA position 511, T replaced by G.
Protein change: p.Cys171Gly; replaces cysteine 171 with glycine.
Molecular consequence: missense variant. On other transcripts: non-coding transcript variant (5).
Genome position (GRCh38, 1-based): chr7:142,752,487, T>G. VCF-style: chr7-142752487-T-G. GRCh37 (hg19) VCF-style: chr7-142460338-T-G.
Other names: short protein forms C171G.
Identifiers: ClinVar variation 1745478 (VCV001745478.2), dbSNP rs2485762219, ClinGen allele CA369609587.
Genomic context (GRCh38, chr7:142,752,487, plus strand): 5'-ACAGCCGACTACCCAGACGAGCTGCAGTGCCTGGATGCTCCTGTGCTGAGCCAGGCTAAG[T>G]GTGAAGCCTCCTACCCTGGAAAGATTACCAGCAACATGTTCTGTGTGGGCTTCCTTGAGG-3'
Protein context (NP_002760.1, residues 161-181): LDAPVLSQAK[Cys171Gly]EASYPGKITS